The following is an entry in ClinVar:

NM_139137.4(KCNC2):c.1276A>G (p.Ile426Val)

Gene: KCNC2 (potassium voltage-gated channel subfamily C member 2; minus strand). Cytogenetic location: 12q21.1.
Variant type: single nucleotide variant.
Coding change: c.1276A>G on transcript NM_139137.4 (MANE Select); coding-DNA position 1276, A replaced by G.
Protein change: p.Ile426Val; replaces isoleucine 426 with valine.
Molecular consequence: missense variant. On other transcripts: non-coding transcript variant (1).
Genome position (GRCh38, 1-based): chr12:75,050,729, T>C on the plus strand (A>G on the coding strand, the complement: KCNC2 is on the minus strand). VCF-style: chr12-75050729-T-C. GRCh37 (hg19) VCF-style: chr12-75444509-T-C.
Other names: c.1276A>G, p.Ile426Val (NM_001260497.2, NM_001414202.1, NM_001414206.1 and 13 more transcripts); short protein forms I426V.
Identifiers: ClinVar variation 4281961 (VCV004281961.1).

ClinVar aggregate classification (germline): Uncertain significance (1 of 4 stars; one submission).

Submission:

GeneDx
Classification: Uncertain significance. Last evaluated: 2025-04-14. Review status: criteria provided, single submitter. Criteria: GeneDx Variant Classification Process June 2021. Collection method: clinical testing. Allele origin: germline. Affected: yes.
Comment: Not observed at significant frequency in large population cohorts (gnomAD); In silico analysis indicates that this missense variant does not alter protein structure/function; Has not been previously published as pathogenic or benign to our knowledge